The following is an entry in ClinVar:

ClinVar aggregate classification (germline): Pathogenic (1 of 4 stars; one submission).

Conditions:
Birt-Hogg-Dube syndrome. Also called: Birt Hogg Dubé syndrome. Identifiers: Orphanet 122, MedGen C0346010, MONDO:0800444.

Submission:

Labcorp Genetics (formerly Invitae), Labcorp
Classification: Pathogenic for Birt-Hogg-Dube syndrome. Last evaluated: 2018-09-26. Review status: criteria provided, single submitter. Criteria: Invitae Variant Classification Sherloc (09022015). Collection method: clinical testing. Allele origin: germline.
Comment: For these reasons, this variant has been classified as Pathogenic. Loss-of-function variants in FLCN are known to be pathogenic (PMID: 15852235). This variant has not been reported in the literature in individuals with FLCN-related disease. This variant is not present in population databases (ExAC no frequency). This sequence change creates a premature translational stop signal (p.Lys105Asnfs*25) in the FLCN gene. It is expected to result in an absent or disrupted protein product.

Literature cited by the submitters: PubMed 15852235.

NM_144997.7(FLCN):c.312del (p.Lys105fs)

Gene: FLCN (folliculin; minus strand). Cytogenetic location: 17p11.2.
Variant type: Deletion.
Coding change: c.312del on transcript NM_144997.7 (MANE Select); coding-DNA position 312, one base deleted (T; older notation c.312delT).
Protein change: p.Lys105fs; shifts the reading frame from lysine 105.
Molecular consequence: frameshift variant.
Genome position (GRCh38, 1-based): chr17:17,226,260, A deleted on the plus strand (T on the coding strand, the reverse complement: FLCN is on the minus strand); the first of 2 consecutive A bases (chr17:17,226,260-17,226,261); deleting either gives the same sequence. VCF-style (leftmost placement, unchanged base first): chr17-17226259-TA-T. GRCh37 (hg19) VCF-style: chr17-17129573-TA-T.
Other names: c.312del, p.Lys105fs (NM_001353229.2, NM_001353230.2, NM_001353231.2 and 1 more transcripts); c.312delT (NM_144997.5); short protein forms K105fs.
Identifiers: ClinVar variation 655361 (VCV000655361.6), dbSNP rs1597612985, ClinGen allele CA915949607.